The following is an entry in ClinVar:

NM_031471.6(FERMT3):c.1635C>G (p.Ser545=)

Gene: FERMT3 (FERM domain containing kindlin 3; plus strand). Cytogenetic location: 11q13.1.
Variant type: single nucleotide variant.
Coding change: c.1635C>G on transcript NM_031471.6 (MANE Select); coding-DNA position 1635, C replaced by G.
Protein change: p.Ser545=; no amino-acid change (serine 545 retained).
Molecular consequence: synonymous variant.
Genome position (GRCh38, 1-based): chr11:64,221,105, C>G. VCF-style: chr11-64221105-C-G. GRCh37 (hg19) VCF-style: chr11-63988577-C-G.
Other names: c.1635C>G, p.Ser545= (NM_001382361.1, NM_001382448.1); c.1647C>G, p.Ser549= (NM_001382362.1, NM_178443.3); c.1095C>G, p.Ser365= (NM_001382363.1); c.1107C>G, p.Ser369= (NM_001382364.1); c.1635C>G (NM_031471.5).
Identifiers: ClinVar variation 1104404 (VCV001104404.12), dbSNP rs765423929, ClinGen allele CA6069231.
Genomic context (GRCh38, chr11:64,221,105, plus strand): 5'-GAATGTGGCCCAGTTGTCGCTGGCAGAGGCCCAGCTGCGCTTCATCCAGGCCTGGCAGTC[C>G]CTGCCCGACTTCGGCATCTCCTATGTCATGGTCAGGTATGGCCCCTGGCCCAGCCCCCTG-3'
Protein context (NP_113659.3, residues 535-555): AQLRFIQAWQ[Ser545=]LPDFGISYVM

ClinVar aggregate classification (germline): Likely benign. Review status: criteria provided, multiple submitters, no conflicts (2 of 4 stars). 3 submissions from 3 submitters: Likely benign (2). 1 of the submissions does not count toward it. Last evaluated 2025-07-09.

Conditions:
FERMT3-related disorder. Also called: FERMT3-related condition.
Leukocyte adhesion deficiency 3. Also called: Leukocyte adhesion deficiency, type III; INTEGRIN ACTIVATION DEFICIENCY DISEASE; LEUKOCYTE ADHESION DEFICIENCY 1 VARIANT. Identifiers: Orphanet 2968, Orphanet 99844, MedGen C2748536, MONDO:0013016, OMIM 612840.

Allele frequency attached by ClinVar (database versions not stated): TOPMed below 0.00001; gnomAD 0.00001; gnomAD exomes 0.00001; ExAC 0.00002.
gnomAD v4.1: 14 of 1,611,414 alleles (0.00087%); highest among the groups gnomAD compares: Non-Finnish European, 0.0011%; no homozygotes.

Submissions (3):

Labcorp Genetics (formerly Invitae), Labcorp
Classification: Likely benign for Leukocyte adhesion deficiency 3. Last evaluated: 2025-07-09. Review status: criteria provided, single submitter. Criteria: Invitae Variant Classification Sherloc (09022015). Collection method: clinical testing. Allele origin: germline.

Blueprint Genetics
Classification: Likely benign. Last evaluated: 2022-09-02. Review status: criteria provided, single submitter. Criteria: ACMG Guidelines, 2015. Collection method: clinical testing. Allele origin: germline.

PreventionGenetics, part of Exact Sciences
Classification: Likely benign for FERMT3-related condition. Last evaluated: 2019-05-22. Review status: no assertion criteria provided. Collection method: clinical testing. Allele origin: germline. Not counted in ClinVar's aggregate classification.
Comment: This variant is classified as likely benign based on ACMG/AMP sequence variant interpretation guidelines (Richards et al. 2015 PMID: 25741868, with internal and published modifications).